The following is an entry in ClinVar:

NM_020859.4(SHROOM3):c.179G>T (p.Gly60Val)

Gene: SHROOM3 (shroom family member 3; plus strand). Cytogenetic location: 4q21.1.
Variant type: single nucleotide variant.
Coding change: c.179G>T on transcript NM_020859.4 (MANE Select); coding-DNA position 179, G replaced by T.
Protein change: p.Gly60Val; replaces glycine 60 with valine.
Molecular consequence: missense variant.
Genome position (GRCh38, 1-based): chr4:76,555,619, G>T. VCF-style: chr4-76555619-G-T. GRCh37 (hg19) VCF-style: chr4-77476772-G-T.
Other names: NC_000004.11:g.77476772G>T; c.179G>T (NM_020859.3); short protein forms G60V.
Identifiers: ClinVar variation 1686322 (VCV001686322.5), dbSNP rs144435434, ClinGen allele CA2972006.

ClinVar aggregate classification (germline): Benign. Review status: criteria provided, multiple submitters, no conflicts (2 of 4 stars). 3 submissions from 3 submitters: Benign (2). 1 of the submissions does not count toward it. Last evaluated 2022-05-04.

Conditions:
SHROOM3-related disorder. Also called: SHROOM3-related condition.

Allele frequency attached by ClinVar (database versions not stated): 1000 Genomes Project 30x 0.00078; 1000 Genomes Project 0.00100; TOPMed 0.00191; ESP Exome Variant Server 0.00261.
gnomAD v4.1: 3,357 of 1,613,742 alleles (0.21%); highest among the groups gnomAD compares: Middle Eastern, 0.63%; 4 homozygotes.

Submissions (6):

Mendelics
Classification: Benign. Last evaluated: 2022-05-04. Review status: criteria provided, single submitter. Criteria: Mendelics Assertion Criteria 2019. Collection method: clinical testing. Allele origin: germline.

Breakthrough Genomics
Classification: Benign. Review status: criteria provided, single submitter. Criteria: ACMG Guidelines, 2015. Collection method: not provided. Allele origin: germline. Inheritance: Unknown mechanism. Affected: yes.

PreventionGenetics, part of Exact Sciences
Classification: Likely benign for SHROOM3-related condition. Last evaluated: 2022-03-01. Review status: no assertion criteria provided. Collection method: clinical testing. Allele origin: germline. Not counted in ClinVar's aggregate classification.
Comment: This variant is classified as likely benign based on ACMG/AMP sequence variant interpretation guidelines (Richards et al. 2015 PMID: 25741868, with internal and published modifications).

Dr. Peter K. Rogan Lab, Western University
No classification provided (evidence only). Condition: Thymoma. Review status: no classification provided. Collection method: in vitro. Allele origin: not applicable. Functional consequence: retained intron. Not counted in ClinVar's aggregate classification.

Dr. Peter K. Rogan Lab, Western University
No classification provided (evidence only). Condition: Gastric cancer. Review status: no classification provided. Collection method: in vitro. Allele origin: not applicable. Functional consequence: retained intron. Not counted in ClinVar's aggregate classification.

Dr. Peter K. Rogan Lab, Western University
No classification provided (evidence only). Condition: Gastric cancer. Review status: no classification provided. Collection method: in vitro. Allele origin: not applicable. Functional consequence: retained intron. Not counted in ClinVar's aggregate classification.